The following is an entry in ClinVar:

ClinVar aggregate classification (germline): Likely benign (1 of 4 stars; one submission).

Allele frequency attached by ClinVar (database versions not stated): TOPMed below 0.00001; gnomAD 0.00001; gnomAD exomes 0.00003; ExAC 0.00005.
gnomAD v4.1: 46 of 1,613,618 alleles (0.0029%); highest among the groups gnomAD compares: South Asian, 0.023%; 1 homozygote.

Submission:

CeGaT Center for Human Genetics Tuebingen
Classification: Likely benign. Last evaluated: 2022-09-01. Review status: criteria provided, single submitter. Criteria: CeGaT Center For Human Genetics Tuebingen Variant Classification Criteria Version 2. Collection method: clinical testing. Allele origin: germline. Affected: yes. Observed: 1 variant allele.
Comment: ZNF43: BP4, BP7

NM_003423.4(ZNF43):c.546A>G (p.Ser182=)

Gene: ZNF43 (zinc finger protein 43; minus strand). Cytogenetic location: 19p12.
Variant type: single nucleotide variant.
Coding change: c.546A>G on transcript NM_003423.4 (MANE Select); coding-DNA position 546, A replaced by G.
Protein change: p.Ser182=; no amino-acid change (serine 182 retained).
Molecular consequence: synonymous variant.
Genome position (GRCh38, 1-based): chr19:21,809,491, T>C on the plus strand (A>G on the coding strand, the complement: ZNF43 is on the minus strand). VCF-style: chr19-21809491-T-C. GRCh37 (hg19) VCF-style: chr19-21992293-T-C.
Other names: c.528A>G, p.Ser176= (NM_001256648.2, NM_001256649.2, NM_001256650.2); c.351A>G, p.Ser117= (NM_001256651.2, NM_001256654.2); c.573A>G, p.Ser191= (NM_001256653.2).
Identifiers: ClinVar variation 2649634 (VCV002649634.24), dbSNP rs754969035, ClinGen allele CA9341178.